The following is an entry in ClinVar:

NM_000089.4(COL1A2):c.817G>A (p.Ala273Thr)

Gene: COL1A2 (collagen type I alpha 2 chain; plus strand). Cytogenetic location: 7q21.3.
Variant type: single nucleotide variant.
Coding change: c.817G>A on transcript NM_000089.4 (MANE Select); coding-DNA position 817, G replaced by A.
Protein change: p.Ala273Thr; replaces alanine 273 with threonine.
Molecular consequence: missense variant.
Genome position (GRCh38, 1-based): chr7:94,409,346, G>A. VCF-style: chr7-94409346-G-A. GRCh37 (hg19) VCF-style: chr7-94038658-G-A.
Other names: short protein forms A273T.
Identifiers: ClinVar variation 3758781 (VCV003758781.2).
Genomic context (GRCh38, chr7:94,409,346, plus strand): 5'-TGCTGGTTAATTCCTTGGTTTAATTTCCTCTTTTAGGGTGAAATTGGAGCTGTTGGTAAC[G>A]CTGGTCCTGCTGGTCCCGCCGGTCCCCGTGGTGAAGTGGGTCTTCCAGGCCTCTCCGGCC-3'
Protein context (NP_000080.2, residues 263-283): PKGEIGAVGN[Ala273Thr]GPAGPAGPRG

ClinVar aggregate classification (germline): Uncertain significance (1 of 4 stars; one submission).

Conditions:
Ehlers-Danlos syndrome, classic type, 1 (EDSCL1). Also called: EHLERS-DANLOS SYNDROME, GRAVIS TYPE; EHLERS-DANLOS SYNDROME, SEVERE CLASSIC TYPE; Ehlers-Danlos syndrome, type 1; Ehlers-Danlos Syndrome, Classic Type, COL5A1-Related; EDS I. Identifiers: MedGen C0268335, MONDO:0019567, OMIM 130000.
Osteogenesis imperfecta type I (OI1). Also called: OI, TYPE I; OSTEOGENESIS IMPERFECTA TARDA; OSTEOGENESIS IMPERFECTA WITH BLUE SCLERAE; Osteogenesis imperfecta type 1; Lobstein's Disease; Lobstein disease. Identifiers: Orphanet 216796, Orphanet 666, MedGen C0023931, MONDO:0008146, OMIM 166200. Disease mechanism: loss of function.

gnomAD v4.1: 6 of 1,614,072 alleles (0.00037%); highest among the groups gnomAD compares: African/African-American, 0.0027%; no homozygotes.

Submission:

Labcorp Genetics (formerly Invitae), Labcorp
Classification: Uncertain significance for Osteogenesis imperfecta type I; Ehlers-Danlos syndrome, classic type, 1. Last evaluated: 2026-01-17. Review status: criteria provided, single submitter. Criteria: Invitae Variant Classification Sherloc (09022015). Collection method: clinical testing. Allele origin: germline.
Comment: This sequence change replaces alanine, which is neutral and non-polar, with threonine, which is neutral and polar, at codon 273 of the COL1A2 protein (p.Ala273Thr). This variant is present in population databases (rs759205514, gnomAD 0.007%). This variant has not been reported in the literature in individuals affected with COL1A2-related conditions. ClinVar contains an entry for this variant (Variation ID: 3758781). Invitae Evidence Modeling of protein sequence and biophysical properties (such as structural, functional, and spatial information, amino acid conservation, physicochemical variation, residue mobility, and thermodynamic stability) indicates that this missense variant is not expected to disrupt COL1A2 protein function with a negative predictive value of 95%. In summary, the available evidence is currently insufficient to determine the role of this variant in disease. Therefore, it has been classified as a Variant of Uncertain Significance.